The following is an entry in ClinVar:

ClinVar aggregate classification (germline): Uncertain significance. Review status: criteria provided, multiple submitters, no conflicts (2 of 4 stars). 3 submissions from 3 submitters: Uncertain significance (3). Last evaluated 2025-09-17.

Conditions:
RAI1-related disorder. Also called: RAI1-related condition.
Inborn genetic diseases. Identifiers: MedGen C0950123, MeSH D030342.

Allele frequency attached by ClinVar (database versions not stated): TOPMed below 0.00001; ExAC 0.00001; gnomAD 0.00001.
gnomAD v4.1: 1 of 1,612,372 alleles (0.000062%); highest among the groups gnomAD compares: African/African-American, 0.0013%; no homozygotes.

Submissions (3):

Labcorp Genetics (formerly Invitae), Labcorp
Classification: Uncertain significance. Last evaluated: 2025-09-17. Review status: criteria provided, single submitter. Criteria: Invitae Variant Classification Sherloc (09022015). Collection method: clinical testing. Allele origin: germline.
Comment: This sequence change replaces serine, which is neutral and polar, with arginine, which is basic and polar, at codon 117 of the RAI1 protein (p.Ser117Arg). This variant is present in population databases (rs781131634, gnomAD 0.007%). This variant has not been reported in the literature in individuals affected with RAI1-related conditions. ClinVar contains an entry for this variant (Variation ID: 2731621). Invitae Evidence Modeling of protein sequence and biophysical properties (such as structural, functional, and spatial information, amino acid conservation, physicochemical variation, residue mobility, and thermodynamic stability) indicates that this missense variant is not expected to disrupt RAI1 protein function with a negative predictive value of 80%. In summary, the available evidence is currently insufficient to determine the role of this variant in disease. Therefore, it has been classified as a Variant of Uncertain Significance.

PreventionGenetics, part of Exact Sciences
Classification: Uncertain significance for RAI1-related condition. Last evaluated: 2025-07-23. Review status: criteria provided, single submitter. Criteria: ACMG Guidelines, 2015. Collection method: clinical testing. Allele origin: germline.
Comment: The RAI1 c.351C>A variant is predicted to result in the amino acid substitution p.Ser117Arg. To our knowledge, this variant has not been reported in the literature. This variant is reported in 0.0067% of alleles in individuals of African descent in gnomAD. At this time, the clinical significance of this variant is uncertain due to the absence of conclusive functional and genetic evidence.

Ambry Genetics
Classification: Uncertain significance for Inborn genetic diseases. Last evaluated: 2025-03-06. Review status: criteria provided, single submitter. Criteria: Ambry Variant Classification Scheme 2023. Collection method: clinical testing. Allele origin: germline.

NM_030665.4(RAI1):c.351C>A (p.Ser117Arg)

Gene: RAI1 (retinoic acid induced 1; plus strand). Cytogenetic location: 17p11.2.
Variant type: single nucleotide variant.
Coding change: c.351C>A on transcript NM_030665.4 (MANE Select); coding-DNA position 351, C replaced by A.
Protein change: p.Ser117Arg; replaces serine 117 with arginine.
Molecular consequence: missense variant.
Genome position (GRCh38, 1-based): chr17:17,793,299, C>A. VCF-style: chr17-17793299-C-A. GRCh37 (hg19) VCF-style: chr17-17696613-C-A.
Other names: c.351C>A (NM_030665.3); short protein forms S117R.
Identifiers: ClinVar variation 2731621 (VCV002731621.5), dbSNP rs781131634, ClinGen allele CA8418105.